The following is an entry in ClinVar:

ClinVar aggregate classification (germline): Benign. Review status: criteria provided, multiple submitters, no conflicts (2 of 4 stars). 3 submissions from 3 submitters: Benign (2). 1 of the submissions does not count toward it. Last evaluated 2026-01-26.

Conditions:
MYOM1-related disorder.
Hypertrophic cardiomyopathy. Also called: HYPERTROPHIC MYOCARDIOPATHY. Identifiers: Orphanet 217569, MedGen C0007194, MeSH D002312, MONDO:0005045, HP:0001639.

Allele frequency attached by ClinVar (database versions not stated): 1000 Genomes Project 30x 0.00062; ExAC 0.00073; 1000 Genomes Project 0.00080; gnomAD exomes 0.00086 and 0.00183; gnomAD 0.00089 and 0.00090; TOPMed 0.00090; ESP Exome Variant Server 0.00149.
gnomAD v4.1: 2,830 of 1,613,696 alleles (0.18%); highest among the groups gnomAD compares: Non-Finnish European, 0.22%; 8 homozygotes.

Submissions (3):

Labcorp Genetics (formerly Invitae), Labcorp
Classification: Benign for Hypertrophic cardiomyopathy. Last evaluated: 2026-01-26. Review status: criteria provided, single submitter. Criteria: Invitae Variant Classification Sherloc (09022015). Collection method: clinical testing. Allele origin: germline.

Breakthrough Genomics
Classification: Benign. Review status: criteria provided, single submitter. Criteria: ACMG Guidelines, 2015. Collection method: not provided. Allele origin: germline. Inheritance: Unknown mechanism. Affected: yes.

PreventionGenetics, part of Exact Sciences
Classification: Likely benign for MYOM1-related condition. Last evaluated: 2019-06-24. Review status: no assertion criteria provided. Collection method: clinical testing. Allele origin: germline. Not counted in ClinVar's aggregate classification.
Comment: This variant is classified as likely benign based on ACMG/AMP sequence variant interpretation guidelines (Richards et al. 2015 PMID: 25741868, with internal and published modifications).

NM_003803.4(MYOM1):c.2181G>A (p.Thr727=)

Gene: MYOM1 (myomesin 1; minus strand). Cytogenetic location: 18p11.31.
Variant type: single nucleotide variant.
Coding change: c.2181G>A on transcript NM_003803.4 (MANE Select); coding-DNA position 2181, G replaced by A.
Protein change: p.Thr727=; no amino-acid change (threonine 727 retained).
Molecular consequence: synonymous variant.
Genome position (GRCh38, 1-based): chr18:3,135,575, C>T on the plus strand (G>A on the coding strand, the complement: MYOM1 is on the minus strand). VCF-style: chr18-3135575-C-T. GRCh37 (hg19) VCF-style: chr18-3135573-C-T.
Other names: c.2181G>A, p.Thr727= (NM_019856.2).
Identifiers: ClinVar variation 239570 (VCV000239570.16), dbSNP rs180910875, ClinGen allele CA8874722.